The following is an entry in ClinVar:

ClinVar aggregate classification (germline): Uncertain significance (1 of 4 stars; one submission).

Conditions:
Ehlers-Danlos syndrome, classic type, 1 (EDSCL1). Also called: EDS I; EHLERS-DANLOS SYNDROME, GRAVIS TYPE; EHLERS-DANLOS SYNDROME, SEVERE CLASSIC TYPE; Ehlers-Danlos Syndrome, Classic Type, COL5A1-Related; Ehlers-Danlos syndrome, type 1. Identifiers: MedGen C0268335, MONDO:0019567, OMIM 130000.

Allele frequency attached by ClinVar (database versions not stated): gnomAD 0.00001; gnomAD exomes below 0.00001; TOPMed 0.00001.
gnomAD v4.1: 3 of 1,613,322 alleles (0.00019%); highest among the groups gnomAD compares: East Asian, 0.0067%; no homozygotes.

Submission:

Labcorp Genetics (formerly Invitae), Labcorp
Classification: Uncertain significance for Ehlers-Danlos syndrome, classic type, 1. Last evaluated: 2025-03-02. Review status: criteria provided, single submitter. Criteria: Invitae Variant Classification Sherloc (09022015). Collection method: clinical testing. Allele origin: germline.
Comment: This sequence change affects codon 710 of the COL5A2 mRNA. It is a 'silent' change, meaning that it does not change the encoded amino acid sequence of the COL5A2 protein. It affects a nucleotide within the consensus splice site. This variant is present in population databases (no rsID available, gnomAD 0.006%). This variant has not been reported in the literature in individuals affected with COL5A2-related conditions. ClinVar contains an entry for this variant (Variation ID: 657176). Algorithms developed to predict the effect of sequence changes on RNA splicing suggest that this variant is not likely to affect RNA splicing. In summary, the available evidence is currently insufficient to determine the role of this variant in disease. Therefore, it has been classified as a Variant of Uncertain Significance.

NM_000393.5(COL5A2):c.2130A>G (p.Arg710=)

Gene: COL5A2 (collagen type V alpha 2 chain; minus strand). Cytogenetic location: 2q32.2.
Variant type: single nucleotide variant.
Coding change: c.2130A>G on transcript NM_000393.5 (MANE Select); coding-DNA position 2130, A replaced by G.
Protein change: p.Arg710=; no amino-acid change (arginine 710 retained).
Molecular consequence: synonymous variant.
Genome position (GRCh38, 1-based): chr2:189,058,849, T>C on the plus strand (A>G on the coding strand, the complement: COL5A2 is on the minus strand). VCF-style: chr2-189058849-T-C. GRCh37 (hg19) VCF-style: chr2-189923575-T-C.
Identifiers: ClinVar variation 657176 (VCV000657176.10), dbSNP rs1451386429, ClinGen allele CA430323860.